The following is an entry in ClinVar:

NM_000396.4(CTSK):c.541T>C (p.Tyr181His)

Gene: CTSK (cathepsin K; minus strand). Cytogenetic location: 1q21.3.
Variant type: single nucleotide variant.
Coding change: c.541T>C on transcript NM_000396.4 (MANE Select); coding-DNA position 541, T replaced by C.
Protein change: p.Tyr181His; replaces tyrosine 181 with histidine.
Molecular consequence: missense variant.
Genome position (GRCh38, 1-based): chr1:150,804,098, A>G on the plus strand (T>C on the coding strand, the complement: CTSK is on the minus strand). VCF-style: chr1-150804098-A-G. GRCh37 (hg19) VCF-style: chr1-150776574-A-G.
Other names: short protein forms Y181H.
Identifiers: ClinVar variation 286620 (VCV000286620.11), dbSNP rs868112062, ClinGen allele CA10605524.
Genomic context (GRCh38, chr1:150,804,098, plus strand): 5'-AGGCATCTTCAGAGTCAATACCCCGGTTCTTCTGCACATATTGGAAGGCATTGGTCATGT[A>G]GCCCCCTCCACAGCCATCATTCTCAGACACACAATCCACTAGGTTCTGGGGACTCAGATT-3'
Protein context (NP_000387.1, residues 171-191): VSENDGCGGG[Tyr181His]MTNAFQYVQK

ClinVar aggregate classification (germline): Conflicting classifications of pathogenicity. Review status: criteria provided, conflicting classifications (1 of 4 stars). 4 submissions from 4 submitters: Likely pathogenic (1); Uncertain significance (3). Last evaluated 2025-11-17.

Conditions:
Pyknodysostosis. Also called: Pycnodysostosis. Identifiers: Orphanet 763, MedGen C0238402, MONDO:0009940, OMIM 265800.

Allele frequency attached by ClinVar (database versions not stated): gnomAD exomes 0.00001.
gnomAD v4.1: 3 of 1,614,162 alleles (0.00019%); highest among the groups gnomAD compares: Middle Eastern, 0.049%; no homozygotes.

Submissions (4):

3billion
Classification: Uncertain significance for Pyknodysostosis. Last evaluated: 2025-11-17. Review status: criteria provided, single submitter. Criteria: ACMG Guidelines, 2015. Collection method: clinical testing. Allele origin: germline. Affected: yes.
Comment: The variant is observed at an extremely low frequency in the gnomAD v4.1.0 dataset (total allele frequency: <0.001%). Predicted Consequence/Location: Missense variant In silico tool predictions suggest damaging effect of the variant on gene or gene product [REVEL: 0.73 (>=0.6, sensitivity 0.68 and specificity 0.92); 3Cnet: 0.02 (> 0.75, sensitivity 0.96 and precision 0.92)]. The same nucleotide change resulting in the same amino acid change has been previously reported to be associated with CTSK-related disorder (PMID: 31899347). However, the evidence of pathogenicity is insufficient at this time. Therefore, this variant is classified as VUS according to the recommendation of ACMG/AMP guideline.

GeneDx
Classification: Likely pathogenic. Last evaluated: 2024-08-23. Review status: criteria provided, single submitter. Criteria: GeneDx Variant Classification Process June 2021. Collection method: clinical testing. Allele origin: germline. Affected: yes.
Comment: In silico analysis supports that this missense variant has a deleterious effect on protein structure/function; Missense variants in this gene are a common cause of disease and they are underrepresented in the general population; Not observed at significant frequency in large population cohorts (gnomAD); This variant is associated with the following publications: (PMID: 31899347, 36777185)

Women's Health and Genetics/Laboratory Corporation of America, LabCorp
Classification: Uncertain significance. Last evaluated: 2022-09-29. Review status: criteria provided, single submitter. Criteria: LabCorp Variant Classification Summary - May 2015. Collection method: clinical testing. Allele origin: germline.
Comment: Variant summary: CTSK c.541T>C (p.Tyr181His) results in a conservative amino acid change located in the Peptidase C1A, papain C-terminal domain of the encoded protein sequence. Three of five in-silico tools predict a damaging effect of the variant on protein function. The variant was absent in 251470 control chromosomes. The available data on variant occurrences in the general population are insufficient to allow any conclusion about variant significance. Two clinical diagnostic laboratories have submitted clinical-significance assessments for this variant to ClinVar after 2014 without evidence for independent evaluation. One laboratory classified the variant as likely pathogenic, and one laboratory classified the variant as uncertain significance. Based on the evidence outlined above, the variant was classified as uncertain significance.

Eurofins Ntd Llc (ga)
Classification: Uncertain significance. Last evaluated: 2016-03-15. Review status: criteria provided, single submitter. Criteria: EGL Classification Definitions 2015. Collection method: clinical testing. Allele origin: germline. Observed: 1 variant allele, 1 heterozygote.

Literature cited by the submitters: PubMed 31899347 (cited by 3billion).